The following is an entry in ClinVar:

ClinVar aggregate classification (germline): Uncertain significance (1 of 4 stars; one submission).

Conditions:
Familial cold autoinflammatory syndrome 2 (FCAS2). Identifiers: Orphanet 247868, MedGen C2673198, MONDO:0012724, OMIM 611762.

Allele frequency attached by ClinVar (database versions not stated): TOPMed below 0.00001; ExAC 0.00001; gnomAD exomes 0.00001; gnomAD 0.00002 and 0.00003.

Submission:

Labcorp Genetics (formerly Invitae), Labcorp
Classification: Uncertain significance for Familial cold autoinflammatory syndrome 2. Last evaluated: 2025-09-10. Review status: criteria provided, single submitter. Criteria: Invitae Variant Classification Sherloc (09022015). Collection method: clinical testing. Allele origin: germline.
Comment: This sequence change replaces threonine, which is neutral and polar, with arginine, which is basic and polar, at codon 686 of the NLRP12 protein (p.Thr686Arg). This variant is present in population databases (rs756690369, gnomAD 0.002%). This variant has not been reported in the literature in individuals affected with NLRP12-related conditions. ClinVar contains an entry for this variant (Variation ID: 1043642). An algorithm developed to predict the effect of missense changes on protein structure and function (PolyPhen-2) suggests that this variant is likely to be tolerated. In summary, the available evidence is currently insufficient to determine the role of this variant in disease. Therefore, it has been classified as a Variant of Uncertain Significance.

NM_144687.4(NLRP12):c.2057C>G (p.Thr686Arg)

Gene: NLRP12 (NLR family pyrin domain containing 12; minus strand). Cytogenetic location: 19q13.42.
Variant type: single nucleotide variant.
Coding change: c.2057C>G on transcript NM_144687.4 (MANE Select); coding-DNA position 2057, C replaced by G.
Protein change: p.Thr686Arg; replaces threonine 686 with arginine.
Molecular consequence: missense variant.
Genome position (GRCh38, 1-based): chr19:53,809,602, G>C on the plus strand (C>G on the coding strand, the complement: NLRP12 is on the minus strand). VCF-style: chr19-53809602-G-C. GRCh37 (hg19) VCF-style: chr19-54312856-G-C.
Other names: c.2057C>G, p.Thr686Arg (NM_001277126.2, NM_001277129.1); short protein forms T686R.
Identifiers: ClinVar variation 1043642 (VCV001043642.8), dbSNP rs756690369, ClinGen allele CA9639276.